The following is an entry in ClinVar:

ClinVar aggregate classification (germline): Uncertain significance (1 of 4 stars; one submission).

Conditions:
Hereditary cancer-predisposing syndrome. Also called: Neoplastic Syndromes, Hereditary; Tumor predisposition; Hereditary Cancer Syndrome; Hereditary neoplastic syndrome. Identifiers: Orphanet 140162, MedGen C0027672, MeSH D009386, MONDO:0015356.

Submission:

Ambry Genetics
Classification: Uncertain significance for Hereditary cancer-predisposing syndrome. Last evaluated: 2025-09-11. Review status: criteria provided, single submitter. Criteria: Ambry Variant Classification Scheme 2023. Collection method: clinical testing. Allele origin: germline.
Comment: The p.F174L variant (also known as c.522T>G), located in coding exon 5 of the BMPR1A gene, results from a T to G substitution at nucleotide position 522. The phenylalanine at codon 174 is replaced by leucine, an amino acid with highly similar properties. This amino acid position is conserved. In addition, this alteration is predicted to be tolerated by in silico analysis. Based on the available evidence, the clinical significance of this variant remains unclear.

NM_004329.3(BMPR1A):c.522T>G (p.Phe174Leu)

Gene: BMPR1A (bone morphogenetic protein receptor type 1A; plus strand). Cytogenetic location: 10q23.2.
Variant type: single nucleotide variant.
Coding change: c.522T>G on transcript NM_004329.3 (MANE Select); coding-DNA position 522, T replaced by G.
Protein change: p.Phe174Leu; replaces phenylalanine 174 with leucine.
Molecular consequence: missense variant. On other transcripts: non-coding transcript variant (3), intron variant (1).
Genome position (GRCh38, 1-based): chr10:86,900,118, T>G. VCF-style: chr10-86900118-T-G. GRCh37 (hg19) VCF-style: chr10-88659875-T-G.
Other names: c.522T>G, p.Phe174Leu (NM_001406559.1, NM_001406560.1, NM_001406561.1 and 22 more transcripts); c.438T>G, p.Phe146Leu (NM_001406584.1, NM_001406585.1, NM_001406586.1 and 2 more transcripts); c.333+7889T>G (NM_001406589.1); short protein forms F174L, F146L.
Identifiers: ClinVar variation 4214387 (VCV004214387.1).